The following is an entry in ClinVar:

NM_018139.3(DNAAF2):c.829_835dup (p.Val279fs)

Gene: DNAAF2 (dynein axonemal assembly factor 2; minus strand). Cytogenetic location: 14q21.3.
Variant type: Microsatellite.
Coding change: c.829_835dup on transcript NM_018139.3 (MANE Select); coding-DNA positions 829 to 835, 7 bases duplicated (AGCCCCG; older notation c.829_835dupAGCCCCG).
Protein change: p.Val279fs; shifts the reading frame from valine 279.
Molecular consequence: frameshift variant.
Genome position (GRCh38, 1-based): chr14:49,634,315-49,634,321, CGGGGCT duplicated on the plus strand (AGCCCCG on the coding strand, the reverse complement: DNAAF2 is on the minus strand); duplicating any 7 consecutive bases within chr14:49,634,315-49,634,328 gives the same sequence; the c. name uses the placement nearest the transcript's 3' end. VCF-style (leftmost placement, unchanged base first): chr14-49634314-A-ACGGGGCT. GRCh37 (hg19) VCF-style: chr14-50101032-A-ACGGGGCT.
Other names: c.829_835dup, p.Val279fs (NM_001083908.2); short protein forms V279fs.
Identifiers: ClinVar variation 454915 (VCV000454915.7), dbSNP rs777108430, ClinGen allele CA7173014.

ClinVar aggregate classification (germline): Pathogenic (1 of 4 stars; one submission).

Conditions:
Primary ciliary dyskinesia. Also called: Ciliary dyskinesia. Identifiers: Orphanet 244, MedGen C0008780, MONDO:0016575, HP:0012265.

Allele frequency attached by ClinVar (database versions not stated): TOPMed below 0.00001; gnomAD 0.00001.

Submission:

Labcorp Genetics (formerly Invitae), Labcorp
Classification: Pathogenic for Primary ciliary dyskinesia. Last evaluated: 2023-09-10. Review status: criteria provided, single submitter. Criteria: Invitae Variant Classification Sherloc (09022015). Collection method: clinical testing. Allele origin: germline.
Comment: For these reasons, this variant has been classified as Pathogenic. This variant has not been reported in the literature in individuals affected with DNAAF2-related conditions. This variant is present in population databases (rs777108430, gnomAD 0.007%). This sequence change creates a premature translational stop signal (p.Val279Glufs*6) in the DNAAF2 gene. It is expected to result in an absent or disrupted protein product. Loss-of-function variants in DNAAF2 are known to be pathogenic (PMID: 19052621, 24498942).

Literature cited by the submitters: PubMed 19052621; PubMed 24498942.